The following is an entry in ClinVar:

NM_003072.5(SMARCA4):c.2850C>T (p.Thr950=)

Gene: SMARCA4 (SWI/SNF related BAF chromatin remodeling complex subunit ATPase 4; plus strand). Cytogenetic location: 19p13.2.
Variant type: single nucleotide variant.
Coding change: c.2850C>T on transcript NM_003072.5 (MANE Select); coding-DNA position 2850, C replaced by T.
Protein change: p.Thr950=; no amino-acid change (threonine 950 retained).
Molecular consequence: synonymous variant. On other transcripts: non-coding transcript variant (1).
Genome position (GRCh38, 1-based): chr19:11,021,958, C>T. VCF-style: chr19-11021958-C-T. GRCh37 (hg19) VCF-style: chr19-11132634-C-T.
Other names: c.2850C>T, p.Thr950= (NM_001128847.4, NM_001128848.2, NM_001128849.3 and 5 more transcripts).
Identifiers: ClinVar variation 238418 (VCV000238418.35), dbSNP rs141259126, ClinGen allele CA9204230.

ClinVar aggregate classification (germline): Conflicting classifications of pathogenicity. Review status: criteria provided, conflicting classifications (1 of 4 stars). 9 submissions from 9 submitters: Uncertain significance (1); Benign (2); Likely benign (5). 1 of the submissions does not count toward it. Last evaluated 2026-07-14.

Conditions:
SMARCA4-related disorder. Also called: SMARCA4-related condition.
Hereditary cancer-predisposing syndrome. Also called: Hereditary Cancer Syndrome; Tumor predisposition; Hereditary neoplastic syndrome; Neoplastic Syndromes, Hereditary. Identifiers: Orphanet 140162, MedGen C0027672, MeSH D009386, MONDO:0015356.
Intellectual disability, autosomal dominant 16 (CSS4). Also called: COFFIN-SIRIS SYNDROME 4. Identifiers: Orphanet 1465, MedGen C3553249, MONDO:0013821, OMIM 614609.
Rhabdoid tumor predisposition syndrome 2 (RTPS2). Identifiers: Orphanet 231108, Orphanet 69077, MedGen C2750074, MONDO:0013224, OMIM 613325.

Allele frequency attached by ClinVar (database versions not stated): 1000 Genomes Project 0.00020; 1000 Genomes Project 30x 0.00031; gnomAD 0.00045; TOPMed 0.00021; ESP Exome Variant Server 0.00023.
gnomAD v4.1: 87 of 1,612,116 alleles (0.0054%); highest among the groups gnomAD compares: African/African-American, 0.073%; no homozygotes.

Submissions (9):

Myriad Genetics, Inc.
Classification: Benign for Rhabdoid tumor predisposition syndrome 2. Last evaluated: 2026-07-14. Review status: criteria provided, single submitter. Criteria: Myriad Autosomal Dominant, Autosomal Recessive and X-Linked Classification Criteria (2023). Collection method: clinical testing. Allele origin: unknown.
Comment: This variant is considered benign. This variant is a silent/synonymous amino acid change and it is not expected to impact splicing.

Labcorp Genetics (formerly Invitae), Labcorp
Classification: Benign for Rhabdoid tumor predisposition syndrome 2. Last evaluated: 2026-01-27. Review status: criteria provided, single submitter. Criteria: Invitae Variant Classification Sherloc (09022015). Collection method: clinical testing. Allele origin: germline.

CeGaT Center for Human Genetics Tuebingen
Classification: Likely benign. Last evaluated: 2025-08-01. Review status: criteria provided, single submitter. Criteria: CeGaT Center For Human Genetics Tuebingen Variant Classification Criteria Version 2. Collection method: clinical testing. Allele origin: germline. Affected: yes. Observed: 2 variant alleles.
Comment: SMARCA4: BP4, BP7

Blueprint Genetics
Classification: Likely benign. Last evaluated: 2022-06-21. Review status: criteria provided, single submitter. Criteria: ACMG Guidelines, 2015. Collection method: clinical testing. Allele origin: germline.

Genome-Nilou Lab
Classification: Likely benign for Intellectual disability, autosomal dominant 16. Last evaluated: 2021-07-15. Review status: criteria provided, single submitter. Criteria: ACMG Guidelines, 2015. Collection method: clinical testing. Allele origin: germline. Affected: no.

GeneDx
Classification: Likely benign. Last evaluated: 2021-01-29. Review status: criteria provided, single submitter. Criteria: GeneDx Variant Classification Process June 2021. Collection method: clinical testing. Allele origin: germline. Affected: yes.

Eurofins Ntd Llc (ga)
Classification: Uncertain significance. Last evaluated: 2018-03-27. Review status: criteria provided, single submitter. Criteria: EGL ClinVar v180209 classification definitions. Collection method: clinical testing. Allele origin: germline. Observed: 1 variant allele, 1 heterozygote.

Ambry Genetics
Classification: Likely benign for Hereditary cancer-predisposing syndrome. Last evaluated: 2015-10-01. Review status: criteria provided, single submitter. Criteria: Ambry Variant Classification Scheme 2023. Collection method: clinical testing. Allele origin: germline.

PreventionGenetics, part of Exact Sciences
Classification: Likely benign for SMARCA4-related condition. Last evaluated: 2023-10-11. Review status: no assertion criteria provided. Collection method: clinical testing. Allele origin: germline. Not counted in ClinVar's aggregate classification.
Comment: This variant is classified as likely benign based on ACMG/AMP sequence variant interpretation guidelines (Richards et al. 2015 PMID: 25741868, with internal and published modifications).